The following is an entry in ClinVar:

ClinVar aggregate classification (germline): Likely benign (0 of 4 stars; one submission).

Conditions:
KDM2B-related disorder. Also called: KDM2B-related condition.

Submission:

PreventionGenetics, part of Exact Sciences
Classification: Likely benign for KDM2B-related condition. Last evaluated: 2019-09-18. Review status: no assertion criteria provided. Collection method: clinical testing. Allele origin: germline.
Comment: This variant is classified as likely benign based on ACMG/AMP sequence variant interpretation guidelines (Richards et al. 2015 PMID: 25741868, with internal and published modifications).

NM_032590.5(KDM2B):c.1960-6_1960-3del

Gene: KDM2B (lysine demethylase 2B; minus strand). Cytogenetic location: 12q24.31.
Variant type: Deletion.
Coding change: c.1960-6_1960-3del on transcript NM_032590.5 (MANE Select); 6 bases into the intron before coding-DNA position 1960 through 3 bases into the intron before coding-DNA position 1960, 4 bases deleted (CCTC; older notation c.1960-6_1960-3delCCTC).
Molecular consequence: intron variant.
Genome position (GRCh38, 1-based): chr12:121,445,421-121,445,424, GAGG deleted on the plus strand (CCTC on the coding strand, the reverse complement: KDM2B is on the minus strand). VCF-style (leftmost placement, unchanged base first): chr12-121445420-TGAGG-T. GRCh37 (hg19) VCF-style: chr12-121883223-TGAGG-T.
Other names: c.1867-6_1867-3del (NM_001005366.2).
Identifiers: ClinVar variation 3039968 (VCV003039968.2), dbSNP rs2547516069, ClinGen allele CA2740097587.